The following is an entry in ClinVar:

ClinVar aggregate classification (germline): Uncertain significance (1 of 4 stars; one submission).

Submission:

GeneDx
Classification: Uncertain significance. Last evaluated: 2023-11-07. Review status: criteria provided, single submitter. Criteria: GeneDx Variant Classification Process June 2021. Collection method: clinical testing. Allele origin: germline. Affected: yes.
Comment: Not observed at significant frequency in large population cohorts (gnomAD); In silico analysis supports that this missense variant does not alter protein structure/function; Has not been previously published as pathogenic or benign to our knowledge

NM_001318852.2(MAPK8IP3):c.3235G>C (p.Glu1079Gln)

Gene: MAPK8IP3 (mitogen-activated protein kinase 8 interacting protein 3; plus strand). Cytogenetic location: 16p13.3.
Variant type: single nucleotide variant.
Coding change: c.3235G>C on transcript NM_001318852.2 (MANE Select); coding-DNA position 3235, G replaced by C.
Protein change: p.Glu1079Gln; replaces glutamic acid 1079 with glutamine.
Molecular consequence: missense variant.
Genome position (GRCh38, 1-based): chr16:1,767,295, G>C. VCF-style: chr16-1767295-G-C. GRCh37 (hg19) VCF-style: chr16-1817296-G-C.
Other names: c.3214G>C, p.Glu1072Gln (NM_001040439.2); c.3232G>C, p.Glu1078Gln (NM_015133.5); short protein forms E1072Q, E1078Q, E1079Q.
Identifiers: ClinVar variation 3364004 (VCV003364004.1).